The following is an entry in ClinVar:

ClinVar aggregate classification (germline): Pathogenic (1 of 4 stars; one submission).

Submission:

Labcorp Genetics (formerly Invitae), Labcorp
Classification: Pathogenic. Last evaluated: 2025-06-29. Review status: criteria provided, single submitter. Criteria: Invitae Variant Classification Sherloc (09022015). Collection method: clinical testing. Allele origin: germline.
Comment: This sequence change creates a premature translational stop signal (p.Ile1874Tyrfs*24) in the ZNF469 gene. While this is not anticipated to result in nonsense mediated decay, it is expected to disrupt the last 2052 amino acid(s) of the ZNF469 protein. This variant is not present in population databases (gnomAD no frequency). This variant has not been reported in the literature in individuals affected with ZNF469-related conditions. ClinVar contains an entry for this variant (Variation ID: 2780973). This variant disrupts a region of the ZNF469 protein in which other variant(s) (p.Pro3556Glnfs*136) have been determined to be pathogenic (PMID: 32671420). This suggests that this is a clinically significant region of the protein, and that variants that disrupt it are likely to be disease-causing. For these reasons, this variant has been classified as Pathogenic.

Literature cited by the submitters: PubMed 32671420.

NM_001367624.2(ZNF469):c.5703del (p.Ile1902fs)

Gene: ZNF469 (zinc finger protein 469; plus strand). Cytogenetic location: 16q24.2.
Variant type: Deletion.
Coding change: c.5703del on transcript NM_001367624.2 (MANE Select); coding-DNA position 5703, one base deleted (C; older notation c.5703delC).
Protein change: p.Ile1902fs; shifts the reading frame from isoleucine 1902.
Molecular consequence: frameshift variant.
Genome position (GRCh38, 1-based): chr16:88,433,173, C deleted; the last of 7 consecutive C bases (chr16:88,433,167-88,433,173); deleting any one gives the same sequence. VCF-style (leftmost placement, unchanged base first): chr16-88433166-GC-G. GRCh37 (hg19) VCF-style: chr16-88499574-GC-G.
Other names: short protein forms I1902fs.
Identifiers: ClinVar variation 2780973 (VCV002780973.3), dbSNP rs1348745245, ClinGen allele CA645579168.
Genomic context (GRCh38, chr16:88,433,166, plus strand): 5'-CAAGTCCCGCCTGTGTATCCAACACCCACCCTAGCAGGAGGTCCCAGGACCCAGCTTTGA[GC>G]CCCCCCATACGTCAGCTCCAGCTCCCAGGGCCTGGAGTGGCTAAGAGTAAAGATGGCATC-3'